The following is an entry in ClinVar:

ClinVar aggregate classification (germline): Uncertain significance. Review status: criteria provided, single submitter (1 of 4 stars). 2 submissions from 2 submitters: Uncertain significance (1). 1 of the submissions does not count toward it. Last evaluated 2023-12-19.

Conditions:
Charcot-Marie-Tooth disease type 2. Also called: Charcot-Marie-Tooth type 2. Identifiers: Orphanet 64746, MedGen C0270914, MONDO:0018993.
Charcot-Marie-Tooth disease. Also called: Charcot-Marie-Tooth Neuropathy; Charcot-Marie-Tooth Hereditary Neuropathy. Identifiers: Orphanet 166, MedGen C0007959, MONDO:0015626.

Submissions (2):

Labcorp Genetics (formerly Invitae), Labcorp
Classification: Uncertain significance for Charcot-Marie-Tooth disease type 2. Last evaluated: 2023-12-19. Review status: criteria provided, single submitter. Criteria: Invitae Variant Classification Sherloc (09022015). Collection method: clinical testing. Allele origin: germline.
Comment: This variant, c.1309_1311del, results in the deletion of 1 amino acid(s) of the MFN2 protein (p.Glu437del), but otherwise preserves the integrity of the reading frame. This variant is not present in population databases (gnomAD no frequency). This variant has not been reported in the literature in individuals affected with MFN2-related conditions. ClinVar contains an entry for this variant (Variation ID: 543200). Experimental studies and prediction algorithms are not available or were not evaluated, and the functional significance of this variant is currently unknown. In summary, the available evidence is currently insufficient to determine the role of this variant in disease. Therefore, it has been classified as a Variant of Uncertain Significance.

Genesis Genome Database
Classification: Uncertain significance for Charcot-Marie-Tooth disease. Last evaluated: 2019-08-14. Review status: no assertion criteria provided. Collection method: research. Allele origin: germline. Affected: yes. Not counted in ClinVar's aggregate classification.

NM_014874.4(MFN2):c.1306GAG[1] (p.Glu437del)

Gene: MFN2 (mitofusin 2; plus strand). Cytogenetic location: 1p36.22.
Variant type: Microsatellite.
Coding change: c.1306GAG[1] on transcript NM_014874.4 (MANE Select); one copy of the 3-base unit GAG starting at c.1306; the reference has two copies in a row; one copy, 3 bases deleted.
Protein change: p.Glu437del; deletes glutamic acid 437.
Molecular consequence: inframe deletion.
Genome position (GRCh38, 1-based): chr1:12,004,530-12,004,532, GAG deleted; deleting any 3 consecutive bases within chr1:12,004,527-12,004,532 gives the same sequence; the position shown is the placement nearest the transcript's 3' end. VCF-style (leftmost placement, unchanged base first): chr1-12004526-CGAG-C. GRCh37 (hg19) VCF-style: chr1-12064583-CGAG-C.
Other names: c.1306GAG[1], p.Glu437del (NM_001127660.2); c.1309_1311del (NM_001127660.1); c.1309_1311delGAG (NM_014874.3); short protein forms E437del.
Identifiers: ClinVar variation 543200 (VCV000543200.9), dbSNP rs766213721, ClinGen allele CA599087.